The following is an entry in ClinVar:

NM_024678.6(NARS2):c.904A>G (p.Ile302Val)

Gene: NARS2 (asparaginyl-tRNA synthetase 2, mitochondrial; minus strand). Cytogenetic location: 11q14.1.
Variant type: single nucleotide variant.
Coding change: c.904A>G on transcript NM_024678.6 (MANE Select); coding-DNA position 904, A replaced by G.
Protein change: p.Ile302Val; replaces isoleucine 302 with valine.
Molecular consequence: missense variant.
Genome position (GRCh38, 1-based): chr11:78,478,602, T>C on the plus strand (A>G on the coding strand, the complement: NARS2 is on the minus strand). VCF-style: chr11-78478602-T-C. GRCh37 (hg19) VCF-style: chr11-78189648-T-C.
Other names: c.223A>G, p.Ile75Val (NM_001243251.2); short protein forms I302V, I75V.
Identifiers: ClinVar variation 1432517 (VCV001432517.6), dbSNP rs2135265598, ClinGen allele CA382176984.

ClinVar aggregate classification (germline): Uncertain significance (1 of 4 stars; one submission).

gnomAD v4.1: 2 of 1,610,432 alleles (0.00012%); highest among the groups gnomAD compares: African/African-American, 0.0013%; no homozygotes.

Submission:

Labcorp Genetics (formerly Invitae), Labcorp
Classification: Uncertain significance. Last evaluated: 2024-05-08. Review status: criteria provided, single submitter. Criteria: Invitae Variant Classification Sherloc (09022015). Collection method: clinical testing. Allele origin: germline.
Comment: This sequence change replaces isoleucine, which is neutral and non-polar, with valine, which is neutral and non-polar, at codon 302 of the NARS2 protein (p.Ile302Val). This variant is not present in population databases (gnomAD no frequency). This variant has not been reported in the literature in individuals affected with NARS2-related conditions. ClinVar contains an entry for this variant (Variation ID: 1432517). Algorithms developed to predict the effect of missense changes on protein structure and function output the following: SIFT: "Not Available"; PolyPhen-2: "Benign"; Align-GVGD: "Not Available". The valine amino acid residue is found in multiple mammalian species, which suggests that this missense change does not adversely affect protein function. In summary, the available evidence is currently insufficient to determine the role of this variant in disease. Therefore, it has been classified as a Variant of Uncertain Significance.